The following is an entry in ClinVar:

ClinVar aggregate classification (germline): Likely benign. Review status: criteria provided, multiple submitters, no conflicts (2 of 4 stars). 2 submissions from 2 submitters: Likely benign (2). Last evaluated 2024-09-09.

Conditions:
Familial cancer of breast. Also called: BREAST CANCER, FAMILIAL; hereditary breast carcinoma; Hereditary breast cancer. Identifiers: Orphanet 227535, MedGen C0346153, MONDO:0016419, OMIM 114480. Disease mechanism: loss of function.
Fanconi anemia complementation group J. Also called: BRIP1-Related Fanconi Anemia. Identifiers: Orphanet 84, MedGen C1836860, MONDO:0012187, OMIM 609054.

gnomAD v4.1: 1 of 1,604,250 alleles (0.000062%); highest among the groups gnomAD compares: East Asian, 0.0022%; no homozygotes.

Submissions (2):

Labcorp Genetics (formerly Invitae), Labcorp
Classification: Likely benign for Familial cancer of breast; Fanconi anemia complementation group J. Last evaluated: 2024-09-09. Review status: criteria provided, single submitter. Criteria: Invitae Variant Classification Sherloc (09022015). Collection method: clinical testing. Allele origin: germline.

GeneDx
Classification: Likely benign. Last evaluated: 2016-06-09. Review status: criteria provided, single submitter. Criteria: GeneDx Variant Classification (06012015). Collection method: clinical testing. Allele origin: germline. Affected: yes.
Comment: This variant is considered likely benign or benign based on one or more of the following criteria: it is a conservative change, it occurs at a poorly conserved position in the protein, it is predicted to be benign by multiple in silico algorithms, and/or has population frequency not consistent with disease.

NM_032043.3(BRIP1):c.1628+18G>A

Gene: BRIP1 (BRCA1 interacting DNA helicase 1; minus strand). Cytogenetic location: 17q23.2.
Variant type: single nucleotide variant.
Coding change: c.1628+18G>A on transcript NM_032043.3 (MANE Select); 18 bases into the intron after coding-DNA position 1628, G replaced by A.
Molecular consequence: intron variant.
Genome position (GRCh38, 1-based): chr17:61,784,252, C>T on the plus strand (G>A on the coding strand, the complement: BRIP1 is on the minus strand). VCF-style: chr17-61784252-C-T. GRCh37 (hg19) VCF-style: chr17-59861613-C-T.
Identifiers: ClinVar variation 386850 (VCV000386850.3), dbSNP rs1005163267, ClinGen allele CA16607788.